The following is an entry in ClinVar:

ClinVar aggregate classification (germline): Pathogenic (1 of 4 stars; one submission).

Submission:

Labcorp Genetics (formerly Invitae), Labcorp
Classification: Pathogenic. Last evaluated: 2020-02-15. Review status: criteria provided, single submitter. Criteria: Invitae Variant Classification Sherloc (09022015). Collection method: clinical testing. Allele origin: germline.
Comment: For these reasons, this variant has been classified as Pathogenic. Loss-of-function variants in PHEX are known to be pathogenic (PMID: 9097956, 9106524, 19219621). This variant has not been reported in the literature in individuals with PHEX-related conditions. This variant is an out-of-frame deletion of the genomic region encompassing exon(s) 16-20 of the PHEX gene. This is expected to create a premature translational stop signal and result in an absent or disrupted protein product.

Literature cited by the submitters: PubMed 9097956; PubMed 9106524; PubMed 19219621.

NC_000023.10:g.(?_22231021)_(22245728_?)del

Gene: PHEX (phosphate regulating endopeptidase X-linked; plus strand). Cytogenetic location: Xp22.11.
Variant type: Deletion.
Identifiers: ClinVar variation 1075730 (VCV001075730.5).